The following is an entry in ClinVar:

ClinVar aggregate classification (germline): Likely benign. Review status: criteria provided, multiple submitters, no conflicts (2 of 4 stars). 4 submissions from 4 submitters: Likely benign (4). Last evaluated 2025-12-26.

Conditions:
TTN-related disorder. Also called: TTN-related condition; TTN-related disease; TTN-related disorders.
Cardiovascular phenotype. Identifiers: MedGen CN230736.
Autosomal recessive limb-girdle muscular dystrophy type 2J (LGMDR10). Also called: Limb-girdle muscular dystrophy, type 2J; MUSCULAR DYSTROPHY, LIMB-GIRDLE, AUTOSOMAL RECESSIVE 10. Identifiers: Orphanet 140922, MedGen C1837342, MONDO:0012127, OMIM 608807.
Dilated cardiomyopathy 1G (CMD1G). Identifiers: Orphanet 154, MedGen C1858763, MONDO:0011400, OMIM 604145.

Allele frequency attached by ClinVar (database versions not stated): gnomAD exomes below 0.00001 and 0.00001; gnomAD 0.00003 and 0.00004; TOPMed 0.00018.
gnomAD v4.1: 9 of 1,613,740 alleles (0.00056%); highest among the groups gnomAD compares: Admixed American, 0.013%; no homozygotes.

Submissions (4):

Labcorp Genetics (formerly Invitae), Labcorp
Classification: Likely benign for Dilated cardiomyopathy 1G; Autosomal recessive limb-girdle muscular dystrophy type 2J. Last evaluated: 2025-12-26. Review status: criteria provided, single submitter. Criteria: Invitae Variant Classification Sherloc (09022015). Collection method: clinical testing. Allele origin: germline.

PreventionGenetics, part of Exact Sciences
Classification: Likely benign for TTN-related condition. Last evaluated: 2025-05-16. Review status: criteria provided, single submitter. Criteria: ACMG Guidelines, 2015. Collection method: clinical testing. Allele origin: germline.
Comment: This variant is classified as likely benign based on ACMG/AMP sequence variant interpretation guidelines (Richards et al. 2015 PMID: 25741868, with internal and published modifications).

Ambry Genetics
Classification: Likely benign for Cardiovascular phenotype. Last evaluated: 2023-10-15. Review status: criteria provided, single submitter. Criteria: Ambry Variant Classification Scheme 2023. Collection method: clinical testing. Allele origin: germline.

Blueprint Genetics
Classification: Likely benign. Last evaluated: 2020-12-13. Review status: criteria provided, single submitter. Criteria: ACMG Guidelines, 2015. Collection method: clinical testing. Allele origin: germline.

NM_001267550.2(TTN):c.94029T>C (p.Asn31343=)

Genes: TTN (titin; minus strand), TTN-AS1 (TTN antisense RNA 1; plus strand). Cytogenetic location: 2q31.2.
Variant type: single nucleotide variant.
Coding change: c.94029T>C on transcript NM_001267550.2 (MANE Select); coding-DNA position 94029, T replaced by C.
Protein change: p.Asn31343=; no amino-acid change (asparagine 31343 retained).
Molecular consequence: synonymous variant.
Genome position (GRCh38, 1-based): chr2:178,547,597, A>G on the plus strand (T>C on the coding strand, the complement: TTN is on the minus strand). VCF-style: chr2-178547597-A-G. GRCh37 (hg19) VCF-style: chr2-179412324-A-G.
Other names: c.89106T>C, p.Asn29702= (NM_001256850.1); c.66834T>C, p.Asn22278= (NM_003319.4); c.86325T>C, p.Asn28775= (NM_133378.4); c.67209T>C, p.Asn22403= (NM_133432.3); c.67410T>C, p.Asn22470= (NM_133437.4).
Identifiers: ClinVar variation 701137 (VCV000701137.12), dbSNP rs915586319, ClinGen allele CA60972954.